The following is an entry in ClinVar:

NM_001844.5(COL2A1):c.4075-3C>G

Gene: COL2A1 (collagen type II alpha 1 chain; minus strand). Cytogenetic location: 12q13.11.
Variant type: single nucleotide variant.
Coding change: c.4075-3C>G on transcript NM_001844.5 (MANE Select); 3 bases into the intron before coding-DNA position 4075, C replaced by G.
Molecular consequence: intron variant.
Genome position (GRCh38, 1-based): chr12:47,974,334, G>C on the plus strand (C>G on the coding strand, the complement: COL2A1 is on the minus strand). VCF-style: chr12-47974334-G-C. GRCh37 (hg19) VCF-style: chr12-48368117-G-C.
Other names: c.3868-3C>G (NM_033150.3).
Identifiers: ClinVar variation 429846 (VCV000429846.2), dbSNP rs757931927, ClinGen allele CA645369588.

ClinVar aggregate classification (germline): Uncertain significance (1 of 4 stars; one submission).

Submission:

GeneDx
Classification: Uncertain significance. Last evaluated: 2017-05-15. Review status: criteria provided, single submitter. Criteria: GeneDx Variant Classification (06012015). Collection method: clinical testing. Allele origin: germline. Affected: yes.
Comment: The c.4075-3 C>G variant of uncertain significance in the COL2A1 gene has not been published as pathogenic or been reported as benign to our knowledge. This variant is not observed in large population cohorts (Lek et al., 2016; 1000 Genomes Consortium et al., 2015; Exome Variant Server). This substitution occurs at a nucleotide that is conserved across species. In silico splice prediction programs predict this variant results in a loss or significant reduction in the strength of the natural splice acceptor site, which may result in abnormal gene splicing. However, in the absence of functional mRNA studies, the physiological consequence of this variant cannot be precisely determined. Nevertheless, multiple other splice site variants in the COL2A1 gene have been reported in the Human Gene Mutation Database in association with Stickler syndrome (Stenson et al., 2014).